The following is an entry in ClinVar:

ClinVar aggregate classification (germline): Uncertain significance (1 of 4 stars; one submission).

Allele frequency attached by ClinVar (database versions not stated): TOPMed below 0.00001; ExAC 0.00002.
gnomAD v4.1: 9 of 1,613,490 alleles (0.00056%); highest among the groups gnomAD compares: South Asian, 0.0099%; 1 homozygote.

Submission:

Labcorp Genetics (formerly Invitae), Labcorp
Classification: Uncertain significance. Last evaluated: 2023-06-03. Review status: criteria provided, single submitter. Criteria: Invitae Variant Classification Sherloc (09022015). Collection method: clinical testing. Allele origin: germline.
Comment: In summary, the available evidence is currently insufficient to determine the role of this variant in disease. Therefore, it has been classified as a Variant of Uncertain Significance. An algorithm developed to predict the effect of missense changes on protein structure and function (PolyPhen-2) suggests that this variant is likely to be tolerated. This variant has not been reported in the literature in individuals affected with IL6R-related conditions. This variant is present in population databases (rs749116155, gnomAD 0.01%). This sequence change replaces glutamic acid, which is acidic and polar, with valine, which is neutral and non-polar, at codon 115 of the IL6R protein (p.Glu115Val).

NM_000565.4(IL6R):c.344A>T (p.Glu115Val)

Gene: IL6R (interleukin 6 receptor; plus strand). Cytogenetic location: 1q21.3.
Variant type: single nucleotide variant.
Coding change: c.344A>T on transcript NM_000565.4 (MANE Select); coding-DNA position 344, A replaced by T.
Protein change: p.Glu115Val; replaces glutamic acid 115 with valine.
Molecular consequence: missense variant. On other transcripts: intron variant (1).
Genome position (GRCh38, 1-based): chr1:154,430,492, A>T. VCF-style: chr1-154430492-A-T. GRCh37 (hg19) VCF-style: chr1-154402968-A-T.
Other names: c.344A>T, p.Glu115Val (NM_001206866.2, NM_001382769.1, NM_001382770.1 and 4 more transcripts); c.126+1256A>T (NM_001382774.1); short protein forms E115V.
Identifiers: ClinVar variation 2806663 (VCV002806663.3), dbSNP rs749116155, ClinGen allele CA1129001.